The following is an entry in ClinVar:

NM_014249.4(NR2E3):c.364C>T (p.Arg122Cys)

Gene: NR2E3 (nuclear receptor subfamily 2 group E member 3; plus strand). Cytogenetic location: 15q23.
Variant type: single nucleotide variant.
Coding change: c.364C>T on transcript NM_014249.4 (MANE Select); coding-DNA position 364, C replaced by T.
Protein change: p.Arg122Cys; replaces arginine 122 with cysteine.
Molecular consequence: missense variant.
Genome position (GRCh38, 1-based): chr15:71,811,969, C>T. VCF-style: chr15-71811969-C-T. GRCh37 (hg19) VCF-style: chr15-72104309-C-T.
Other names: c.364C>T, p.Arg122Cys (NM_016346.4); short protein forms R122C.
Identifiers: ClinVar variation 143147 (VCV000143147.21), dbSNP rs527236086, ClinGen allele CA270110.

ClinVar aggregate classification (germline): Pathogenic/Likely pathogenic. Review status: criteria provided, multiple submitters, no conflicts (2 of 4 stars). 9 submissions from 9 submitters: Pathogenic (2); Likely pathogenic (5). 2 of the submissions do not count toward it. Last evaluated 2026-03-26.

Conditions:
NR2E3-related disorder. Also called: NR2E3-related condition; NR2E3-related disorders. Identifiers: MedGen CN239387.
Retinal dystrophy. Also called: Inherited retinal dystrophy. Identifiers: Orphanet 71862, MedGen C0854723, MeSH D058499, MONDO:0019118, HP:0000556.
Retinitis pigmentosa 37 (RP37). Identifiers: Orphanet 791, MedGen C1970163, MONDO:0012625, OMIM 611131.
Enhanced S-cone syndrome (ESCS). Identifiers: Orphanet 53540, MedGen C1849394, MONDO:0100288, MONDO:0009989.
Retinitis pigmentosa (RP). Identifiers: Orphanet 791, MedGen C0035334, MeSH D012174, MONDO:0019200, OMIM 268000. Inheritance: Autosomal dominant, autosomal recessive and X linked inheritance.

Allele frequency attached by ClinVar (database versions not stated): gnomAD 0.00002; gnomAD exomes 0.00002 and 0.00003; TOPMed 0.00002.

Submissions (9):

PreventionGenetics, part of Exact Sciences
Classification: Likely pathogenic for NR2E3-related condition. Last evaluated: 2026-03-26. Review status: criteria provided, single submitter. Criteria: ACMG Guidelines, 2015. Collection method: clinical testing. Allele origin: germline.
Comment: The NR2E3 c.364C>T variant is predicted to result in the amino acid substitution p.Arg122Cys. This variant has been reported in the homozygous state in two siblings with retinitis pigmentosa from a consanguineous family (Family RP670, Bocquet et al. 2013. PubMed ID: 24339724). This variant has also been reported in the homozygous and compound heterozygous states in additional unrelated individuals with retinal dystrophies (Murro et al. 2018. PubMed ID: 30324420; Patient K6189, Table S6, Oishi et al. 2014. PubMed ID: 25324289; Table S2, Zampaglione et al. 2020. PubMed ID: 32037395). This variant is reported in 0.0081% of alleles in individuals of East Asian descent in gnomAD. Given the evidence, we interpret this variant as likely pathogenic for autosomal recessive disease.

Labcorp Genetics (formerly Invitae), Labcorp
Classification: Pathogenic. Last evaluated: 2026-01-09. Review status: criteria provided, single submitter. Criteria: Invitae Variant Classification Sherloc (09022015). Collection method: clinical testing. Allele origin: germline.
Comment: This sequence change replaces arginine, which is basic and polar, with cysteine, which is neutral and slightly polar, at codon 122 of the NR2E3 protein (p.Arg122Cys). The frequency data for this variant in the population databases is considered unreliable, as metrics indicate poor data quality at this position in the gnomAD database. This missense change has been observed in individual(s) with clinical features of autosomal recessive NR2E3-related conditions (PMID: 24339724, 30324420, 32037395; internal data). In at least one individual the data is consistent with being in trans (on the opposite chromosome) from a pathogenic variant. It has also been observed to segregate with disease in related individuals. ClinVar contains an entry for this variant (Variation ID: 143147). Invitae Evidence Modeling of protein sequence and biophysical properties (such as structural, functional, and spatial information, amino acid conservation, physicochemical variation, residue mobility, and thermodynamic stability) indicates that this missense variant is expected to disrupt NR2E3 protein function with a positive predictive value of 80%. For these reasons, this variant has been classified as Pathogenic.

Natera, Inc.
Classification: Likely pathogenic for Enhanced S cone syndrome. Last evaluated: 2025-11-26. Review status: criteria provided, single submitter. Criteria: Natera Variant Classification Schema (03/2026). Collection method: clinical testing. Allele origin: germline.
Comment: The c.364C>T variant in NR2E3 is a missense variant predicted to cause substitution of arginine to cysteine at amino acid 122. This variant is rare in the general population with a frequency below the threshold expected for the associated phenotype(s). This variant has been observed in one or more individuals affected with the associated recessive disease, as either homozygous or compound heterozygous with a second variant (PMID: 39462066, 37628579, 24339724, 32037395, 25324289). This variant has been observed in one or more individuals affected with the associated recessive disease, as either homozygous or compound heterozygous with a second variant (PMID: 39462066, 37628579, 24339724, 32037395). Computational prediction algorithms indicate this variant is likely to affect gene or protein function. Given the available evidence, this variant is classified as Likely Pathogenic.

Blueprint Genetics
Classification: Pathogenic for NR2E3-related disorders. Last evaluated: 2024-10-21. Review status: criteria provided, single submitter. Criteria: ACMG Guidelines, 2015. Collection method: clinical testing. Allele origin: germline. Affected: yes. Observed: 5 variant alleles.

Fulgent Genetics
Classification: Likely pathogenic for ENHANCED S-CONE SYNDROME 1; Retinitis pigmentosa 37. Last evaluated: 2024-06-16. Review status: criteria provided, single submitter. Criteria: ACMG Guidelines, 2015. Collection method: clinical testing. Allele origin: germline.

Baylor Genetics
Classification: Likely pathogenic for ENHANCED S-CONE SYNDROME 1. Last evaluated: 2024-03-26. Review status: criteria provided, single submitter. Criteria: ACMG Guidelines, 2015. Collection method: clinical testing. Allele origin: unknown.

Institute of Human Genetics, Univ. Regensburg, Univ. Regensburg
Classification: Likely pathogenic for Retinal dystrophy. Last evaluated: 2012-01-01. Review status: criteria provided, single submitter. Criteria: ACMG Guidelines, 2015. Collection method: clinical testing. Allele origin: germline. Affected: yes.

Counsyl
Classification: Uncertain significance for Retinitis pigmentosa 37; ENHANCED S-CONE SYNDROME 1. Last evaluated: 2017-11-01. Review status: no assertion criteria provided. Collection method: clinical testing. Allele origin: unknown. Not counted in ClinVar's aggregate classification.

Department of Ophthalmology and Visual Sciences Kyoto University
Classification: Likely pathogenic for Retinitis pigmentosa. Review status: no assertion criteria provided. Collection method: not provided. Allele origin: unknown. Not counted in ClinVar's aggregate classification.
ClinVar note: Converted during submission from probable-pathogenic to Likely pathogenic.

Literature cited by the submitters: PubMed 24339724 (cited by 4 submitters); PubMed 30324420 (cited by Labcorp Genetics (formerly Invitae), Labcorp and Institute of Human Genetics, Univ. Regensburg, Univ. Regensburg); PubMed 32037395 (cited by 3 submitters); PubMed 39462066 (cited by Natera, Inc.); PubMed 37628579 (cited by Natera, Inc.); PubMed 25324289 (cited by Natera, Inc.); PubMed 31964843 (cited by Institute of Human Genetics, Univ. Regensburg, Univ. Regensburg).